The following is an entry in ClinVar:

NM_016291.4(IP6K2):c.817A>C (p.Asn273His)

Gene: IP6K2 (inositol hexakisphosphate kinase 2; minus strand). Cytogenetic location: 3p21.31.
Variant type: single nucleotide variant.
Coding change: c.817A>C on transcript NM_016291.4 (MANE Select); coding-DNA position 817, A replaced by C.
Protein change: p.Asn273His; replaces asparagine 273 with histidine.
Molecular consequence: missense variant.
Genome position (GRCh38, 1-based): chr3:48,688,737, T>G on the plus strand (A>C on the coding strand, the complement: IP6K2 is on the minus strand). VCF-style: chr3-48688737-T-G. GRCh37 (hg19) VCF-style: chr3-48726170-T-G.
Other names: c.817A>C, p.Asn273His (NM_001005909.3); short protein forms N273H.
Identifiers: ClinVar variation 2653806 (VCV002653806.24), dbSNP rs150229636, ClinGen allele CA2386574.

ClinVar aggregate classification (germline): Likely benign (1 of 4 stars; one submission).

Allele frequency attached by ClinVar (database versions not stated): 1000 Genomes Project 0.00339; 1000 Genomes Project 30x 0.00390; gnomAD 0.00553; TOPMed 0.00593; ExAC 0.00654; ESP Exome Variant Server 0.00723; gnomAD exomes 0.00871.
gnomAD v4.1: 13,554 of 1,613,708 alleles (0.84%); highest among the groups gnomAD compares: Non-Finnish European, 1%; 85 homozygotes.

Submission:

CeGaT Center for Human Genetics Tuebingen
Classification: Likely benign. Last evaluated: 2024-07-01. Review status: criteria provided, single submitter. Criteria: CeGaT Center For Human Genetics Tuebingen Variant Classification Criteria Version 2. Collection method: clinical testing. Allele origin: germline. Affected: yes. Observed: 2 variant alleles.
Comment: IP6K2: BS2